The following is an entry in ClinVar:

ClinVar aggregate classification (germline): Uncertain significance (1 of 4 stars; one submission).

Conditions:
Warts, hypogammaglobulinemia, infections, and myelokathexis. Also called: WHIM syndrome. Identifiers: MedGen C0472817, MONDO:0023880.

Submission:

Labcorp Genetics (formerly Invitae), Labcorp
Classification: Uncertain significance for Warts, hypogammaglobulinemia, infections, and myelokathexis. Last evaluated: 2023-02-01. Review status: criteria provided, single submitter. Criteria: Invitae Variant Classification Sherloc (09022015). Collection method: clinical testing. Allele origin: germline.
Comment: This variant has not been reported in the literature in individuals affected with CXCR4-related conditions. In summary, the available evidence is currently insufficient to determine the role of this variant in disease. Therefore, it has been classified as a Variant of Uncertain Significance. Algorithms developed to predict the effect of missense changes on protein structure and function are either unavailable or do not agree on the potential impact of this missense change (SIFT: "Tolerated"; PolyPhen-2: "Not Available"; Align-GVGD: "Class C0"). This variant is not present in population databases (gnomAD no frequency). This sequence change replaces histidine, which is basic and polar, with glutamine, which is neutral and polar, at codon 337 of the CXCR4 protein (p.His337Gln).

NM_003467.3(CXCR4):c.1011T>G (p.His337Gln)

Gene: CXCR4 (C-X-C motif chemokine receptor 4; minus strand). Cytogenetic location: 2q22.1.
Variant type: single nucleotide variant.
Coding change: c.1011T>G on transcript NM_003467.3 (MANE Select); coding-DNA position 1011, T replaced by G.
Protein change: p.His337Gln; replaces histidine 337 with glutamine.
Molecular consequence: missense variant.
Genome position (GRCh38, 1-based): chr2:136,114,917, A>C on the plus strand (T>G on the coding strand, the complement: CXCR4 is on the minus strand). VCF-style: chr2-136114917-A-C. GRCh37 (hg19) VCF-style: chr2-136872487-A-C.
Other names: c.1023T>G, p.His341Gln (NM_001008540.2); c.1224T>G, p.His408Gln (NM_001348056.2); c.1110T>G, p.His370Gln (NM_001348059.2); c.966T>G, p.His322Gln (NM_001348060.2); short protein forms H322Q, H337Q, H370Q, H341Q, H408Q.
Identifiers: ClinVar variation 2833680 (VCV002833680.3), dbSNP rs1338871737, ClinGen allele CA348657419.